The following is an entry in ClinVar:

NM_001267550.2(TTN):c.72295G>T (p.Ala24099Ser)

Genes: TTN (titin; minus strand), TTN-AS1 (TTN antisense RNA 1; plus strand). Cytogenetic location: 2q31.2.
Variant type: single nucleotide variant.
Coding change: c.72295G>T on transcript NM_001267550.2 (MANE Select); coding-DNA position 72295, G replaced by T.
Protein change: p.Ala24099Ser; replaces alanine 24099 with serine.
Molecular consequence: missense variant.
Genome position (GRCh38, 1-based): chr2:178,573,837, C>A on the plus strand (G>T on the coding strand, the complement: TTN is on the minus strand). VCF-style: chr2-178573837-C-A. GRCh37 (hg19) VCF-style: chr2-179438564-C-A.
Other names: p.A22458S:GCC>TCC; c.67372G>T, p.Ala22458Ser (NM_001256850.1); c.45100G>T, p.Ala15034Ser (NM_003319.4); c.64591G>T, p.Ala21531Ser (NM_133378.4); c.45475G>T, p.Ala15159Ser (NM_133432.3); c.45676G>T, p.Ala15226Ser (NM_133437.4); short protein forms A22458S, A24099S, A15034S, A15159S, A15226S, A21531S.
Identifiers: ClinVar variation 202839 (VCV000202839.2), dbSNP rs748236500, ClinGen allele CA310445.

ClinVar aggregate classification (germline): Uncertain significance (1 of 4 stars; one submission).

Allele frequency attached by ClinVar (database versions not stated): gnomAD 0.00001; gnomAD exomes 0.00001 and 0.00003; TOPMed 0.00001; ExAC 0.00003.
gnomAD v4.1: 9 of 1,611,522 alleles (0.00056%); highest among the groups gnomAD compares: Admixed American, 0.013%; no homozygotes.

Submission:

GeneDx
Classification: Uncertain significance. Last evaluated: 2013-03-04. Review status: criteria provided, single submitter. Criteria: GeneDx Variant Classification (06012015). Collection method: clinical testing. Allele origin: germline. Affected: yes.
Comment: Missense variants in the TTN gene are considered 'unclassified' if they are not previously reported in the literature and do not have >1% frequency in the population to be considered a polymorphism. Research indicates that truncating mutations in the TTN gene are expected to account for approximately 25% of familial and 18% of sporadic idiopathic DCM; however, truncating variants in the TTN gene have been reported in approximately 3% of reported control alleles. There has been little investigation into non-truncating variants. (Herman D et al. Truncations of titin causing dilated cardiomyopathy. N Eng J Med 366:619-628, 2012) The variant is found in DCM panel(s).